The following is an entry in ClinVar:

ClinVar aggregate classification (germline): Uncertain significance (1 of 4 stars; one submission).

Conditions:
Hereditary cancer-predisposing syndrome. Also called: Neoplastic Syndromes, Hereditary; Tumor predisposition; Hereditary Cancer Syndrome; Hereditary neoplastic syndrome. Identifiers: Orphanet 140162, MedGen C0027672, MeSH D009386, MONDO:0015356.

Submission:

Ambry Genetics
Classification: Uncertain significance for Hereditary cancer-predisposing syndrome. Last evaluated: 2021-10-13. Review status: criteria provided, single submitter. Criteria: Ambry Variant Classification Scheme 2023. Collection method: clinical testing. Allele origin: germline.
Comment: The p.L308I variant (also known as c.922C>A), located in coding exon 4 of the BARD1 gene, results from a C to A substitution at nucleotide position 922. The leucine at codon 308 is replaced by isoleucine, an amino acid with highly similar properties. This amino acid position is conserved. In addition, this alteration is predicted to be tolerated by in silico analysis. Since supporting evidence is limited at this time, the clinical significance of this alteration remains unclear.

NM_000465.4(BARD1):c.922C>A (p.Leu308Ile)

Gene: BARD1 (BRCA1 associated RING domain 1; minus strand). Cytogenetic location: 2q35.
Variant type: single nucleotide variant.
Coding change: c.922C>A on transcript NM_000465.4 (MANE Select); coding-DNA position 922, C replaced by A.
Protein change: p.Leu308Ile; replaces leucine 308 with isoleucine.
Molecular consequence: missense variant. On other transcripts: non-coding transcript variant (2), intron variant (3).
Genome position (GRCh38, 1-based): chr2:214,780,952, G>T on the plus strand (C>A on the coding strand, the complement: BARD1 is on the minus strand). VCF-style: chr2-214780952-G-T. GRCh37 (hg19) VCF-style: chr2-215645676-G-T.
Other names: c.865C>A, p.Leu289Ile (NM_001282543.2); c.159-28397C>A (NM_001282548.2); c.215+16109C>A (NM_001282545.2); c.364+11345C>A (NM_001282549.2); short protein forms L289I, L308I.
Identifiers: ClinVar variation 1766259 (VCV001766259.2), dbSNP rs1407053508, ClinGen allele CA350455055.